The following is an entry in ClinVar:

NM_001111.5(ADAR):c.511G>A (p.Glu171Lys)

Gene: ADAR (adenosine deaminase RNA specific; minus strand). Cytogenetic location: 1q21.3.
Variant type: single nucleotide variant.
Coding change: c.511G>A on transcript NM_001111.5 (MANE Select); coding-DNA position 511, G replaced by A.
Protein change: p.Glu171Lys; replaces glutamic acid 171 with lysine.
Molecular consequence: missense variant. On other transcripts: 5 prime UTR variant (6).
Genome position (GRCh38, 1-based): chr1:154,602,131, C>T on the plus strand (G>A on the coding strand, the complement: ADAR is on the minus strand). VCF-style: chr1-154602131-C-T. GRCh37 (hg19) VCF-style: chr1-154574607-C-T.
Other names: c.-375G>A (NM_001025107.3, NM_001193495.2, NM_001365046.1 and 3 more transcripts); c.538G>A, p.Glu180Lys (NM_001365045.1); c.511G>A, p.Glu171Lys (NM_015840.4, NM_015841.4); short protein forms E171K, E180K.
Identifiers: ClinVar variation 1413622 (VCV001413622.6), dbSNP rs2101643546, ClinGen allele CA342601756.

ClinVar aggregate classification (germline): Uncertain significance (1 of 4 stars; one submission).

Conditions:
Aicardi-Goutieres syndrome 6 (AGS6). Identifiers: Orphanet 51, MedGen C3539013, MONDO:0014007, OMIM 615010.
Symmetrical dyschromatosis of extremities (DSH). Also called: RETICULATE ACROPIGMENTATION OF DOHI; Dyschromatosis symmetrica hereditaria; DYSCHROMATOSIS SYMMETRICA HEREDITARIA 1; SYMMETRIC DYSCHROMATOSIS OF THE EXTREMITIES. Identifiers: Orphanet 41, MedGen C0406775, MONDO:0007483, OMIM 127400.

Submission:

Labcorp Genetics (formerly Invitae), Labcorp
Classification: Uncertain significance for Aicardi-Goutieres syndrome 6; Symmetrical dyschromatosis of extremities. Last evaluated: 2021-08-27. Review status: criteria provided, single submitter. Criteria: Invitae Variant Classification Sherloc (09022015). Collection method: clinical testing. Allele origin: germline.
Comment: This sequence change replaces glutamic acid with lysine at codon 171 of the ADAR protein (p.Glu171Lys). The glutamic acid residue is weakly conserved and there is a small physicochemical difference between glutamic acid and lysine. This variant is not present in population databases (ExAC no frequency). This variant has not been reported in the literature in individuals affected with ADAR-related conditions. Algorithms developed to predict the effect of missense changes on protein structure and function are either unavailable or do not agree on the potential impact of this missense change (SIFT: "Tolerated"; PolyPhen-2: "Possibly Damaging"; Align-GVGD: "Class C0"). In summary, the available evidence is currently insufficient to determine the role of this variant in disease. Therefore, it has been classified as a Variant of Uncertain Significance.